The following is an entry in ClinVar:

ClinVar aggregate classification (germline): Uncertain significance (1 of 4 stars; one submission).

Conditions:
TTN-related disorder. Also called: TTN-related disorders; TTN-related condition; TTN-related disease.

gnomAD v4.1: 34 of 1,613,424 alleles (0.0021%); highest among the groups gnomAD compares: Non-Finnish European, 0.0028%; no homozygotes.

Submission:

PreventionGenetics, part of Exact Sciences
Classification: Uncertain significance for TTN-related condition. Last evaluated: 2026-06-04. Review status: criteria provided, single submitter. Criteria: ACMG Guidelines, 2015. Collection method: clinical testing. Allele origin: germline.
Comment: The TTN c.84109G>C variant is predicted to result in the amino acid substitution p.Val28037Leu. To our knowledge, this variant has not been reported in the literature. This variant is reported in 0.0027% of alleles in individuals of European (Non-Finnish) descent in gnomAD. At this time, the clinical significance of this variant is uncertain due to the absence of conclusive functional and genetic evidence.

NM_001267550.2(TTN):c.84109G>C (p.Val28037Leu)

Genes: TTN (titin; minus strand), TTN-AS1 (TTN antisense RNA 1; plus strand). Cytogenetic location: 2q31.2.
Variant type: single nucleotide variant.
Coding change: c.84109G>C on transcript NM_001267550.2 (MANE Select); coding-DNA position 84109, G replaced by C.
Protein change: p.Val28037Leu; replaces valine 28037 with leucine.
Molecular consequence: missense variant.
Genome position (GRCh38, 1-based): chr2:178,562,023, C>G on the plus strand (G>C on the coding strand, the complement: TTN is on the minus strand). VCF-style: chr2-178562023-C-G. GRCh37 (hg19) VCF-style: chr2-179426750-C-G.
Other names: c.79186G>C, p.Val26396Leu (NM_001256850.1); c.56914G>C, p.Val18972Leu (NM_003319.4); c.76405G>C, p.Val25469Leu (NM_133378.4); c.57289G>C, p.Val19097Leu (NM_133432.3); c.57490G>C, p.Val19164Leu (NM_133437.4); short protein forms V19097L, V28037L, V26396L, V19164L, V25469L, V18972L.
Identifiers: ClinVar variation 4986504 (VCV004986504.1).